The following is an entry in ClinVar:

NM_178335.3(CCDC50):c.932C>T (p.Pro311Leu)

Gene: CCDC50 (coiled-coil domain containing 50; plus strand). Cytogenetic location: 3q28.
Variant type: single nucleotide variant.
Coding change: c.932C>T on transcript NM_178335.3 (MANE Select); coding-DNA position 932, C replaced by T.
Protein change: p.Pro311Leu; replaces proline 311 with leucine.
Molecular consequence: missense variant. On other transcripts: intron variant (1).
Genome position (GRCh38, 1-based): chr3:191,375,545, C>T. VCF-style: chr3-191375545-C-T. GRCh37 (hg19) VCF-style: chr3-191093334-C-T.
Other names: c.932C>T (NM_178335.2); c.449-4614C>T (NM_174908.4); short protein forms P311L.
Identifiers: ClinVar variation 2190888 (VCV002190888.6), dbSNP rs949031808, ClinGen allele CA89778723.

ClinVar aggregate classification (germline): Uncertain significance. Review status: criteria provided, multiple submitters, no conflicts (2 of 4 stars). 3 submissions from 3 submitters: Uncertain significance (3). Last evaluated 2026-01-19.

Conditions:
CCDC50-related disorder. Also called: CCDC50-related condition.

Allele frequency attached by ClinVar (database versions not stated): gnomAD exomes 0.00001; gnomAD 0.00006; TOPMed 0.00017.
gnomAD v4.1: 16 of 1,613,288 alleles (0.00099%); highest among the groups gnomAD compares: Admixed American, 0.017%; no homozygotes.

Submissions (3):

Labcorp Genetics (formerly Invitae), Labcorp
Classification: Uncertain significance. Last evaluated: 2026-01-19. Review status: criteria provided, single submitter. Criteria: Invitae Variant Classification Sherloc (09022015). Collection method: clinical testing. Allele origin: germline.
Comment: This sequence change replaces proline, which is neutral and non-polar, with leucine, which is neutral and non-polar, at codon 311 of the CCDC50 protein (p.Pro311Leu). The frequency data for this variant in the population databases is considered unreliable, as metrics indicate poor data quality at this position in the gnomAD database. This variant has not been reported in the literature in individuals affected with CCDC50-related conditions. ClinVar contains an entry for this variant (Variation ID: 2190888). An algorithm developed to predict the effect of missense changes on protein structure and function (PolyPhen-2) suggests that this variant is likely to be disruptive. In summary, the available evidence is currently insufficient to determine the role of this variant in disease. Therefore, it has been classified as a Variant of Uncertain Significance.

PreventionGenetics, part of Exact Sciences
Classification: Uncertain significance for CCDC50-related condition. Last evaluated: 2025-04-30. Review status: criteria provided, single submitter. Criteria: ACMG Guidelines, 2015. Collection method: clinical testing. Allele origin: germline.
Comment: The CCDC50 c.932C>T variant is predicted to result in the amino acid substitution p.Pro311Leu. To our knowledge, this variant has not been reported in the literature. This variant is reported in 0.0% of alleles in individuals of African descent in gnomAD. At this time, the clinical significance of this variant is uncertain due to the absence of conclusive functional and genetic evidence.

Ambry Genetics
Classification: Uncertain significance. Last evaluated: 2024-08-11. Review status: criteria provided, single submitter. Criteria: Ambry Variant Classification Scheme 2023. Collection method: clinical testing. Allele origin: germline.